The following is an entry in ClinVar:

ClinVar aggregate classification (germline): Pathogenic (1 of 4 stars; one submission).

Conditions:
CEP290-related ciliopathy. Also called: CEP290 ciliopathy. Identifiers: MedGen CN305601, MONDO:0100451.

Submission:

Myriad Genetics, Inc.
Classification: Pathogenic for CEP290-related ciliopathy. Last evaluated: 2025-09-21. Review status: criteria provided, single submitter. Criteria: Myriad Autosomal Dominant, Autosomal Recessive and X-Linked Classification Criteria (2023). Collection method: clinical testing. Allele origin: unknown.
Comment: NM_025114.3(CEP290):c.800_803delCAGA(T267Ifs*3) is expected to be pathogenic in the context of CEP290-related disorders. This variant is predicted to lead to an abnormal or absent protein product due to the creation of a premature termination codon in CEP290, a gene where loss-of-function variants are known to be pathogenic. Please note: this variant was assessed in the context of healthy population screening.

NM_025114.4(CEP290):c.800_803del (p.Thr267fs)

Gene: CEP290 (centrosomal protein 290; minus strand). Cytogenetic location: 12q21.32.
Variant type: Microsatellite.
Coding change: c.800_803del on transcript NM_025114.4 (MANE Select); coding-DNA positions 800 to 803, 4 bases deleted (CAGA; older notation c.800_803delCAGA).
Protein change: p.Thr267fs; shifts the reading frame from threonine 267.
Molecular consequence: frameshift variant.
Genome position (GRCh38, 1-based): chr12:88,129,743-88,129,746, TCTG deleted on the plus strand (CAGA on the coding strand, the reverse complement: CEP290 is on the minus strand); deleting any 4 consecutive bases within chr12:88,129,743-88,129,750 gives the same sequence; the c. name uses the placement nearest the transcript's 3' end. VCF-style (leftmost placement, unchanged base first): chr12-88129742-ATCTG-A. GRCh37 (hg19) VCF-style: chr12-88523519-ATCTG-A.
Other names: short protein forms T267fs.
Identifiers: ClinVar variation 5015003 (VCV005015003.1).